The following is an entry in ClinVar:

ClinVar aggregate classification (germline): Uncertain significance. Review status: criteria provided, multiple submitters, no conflicts (2 of 4 stars). 2 submissions from 2 submitters: Uncertain significance (2). Last evaluated 2024-10-29.

Conditions:
Inborn genetic diseases. Identifiers: MedGen C0950123, MeSH D030342.
Epidermodysplasia verruciformis. Identifiers: Orphanet 302, MedGen C0014522, MONDO:0009176.

Allele frequency attached by ClinVar (database versions not stated): gnomAD exomes below 0.00001; ExAC 0.00001; TOPMed 0.00002; gnomAD 0.00003.
gnomAD v4.1: 10 of 1,614,012 alleles (0.00062%); highest among the groups gnomAD compares: African/African-American, 0.0093%; no homozygotes.

Submissions (2):

Ambry Genetics
Classification: Uncertain significance for Inborn genetic diseases. Last evaluated: 2024-10-29. Review status: criteria provided, single submitter. Criteria: Ambry Variant Classification Scheme 2023. Collection method: clinical testing. Allele origin: germline.

Labcorp Genetics (formerly Invitae), Labcorp
Classification: Uncertain significance for Epidermodysplasia verruciformis. Last evaluated: 2021-12-19. Review status: criteria provided, single submitter. Criteria: Invitae Variant Classification Sherloc (09022015). Collection method: clinical testing. Allele origin: germline.
Comment: In summary, the available evidence is currently insufficient to determine the role of this variant in disease. Therefore, it has been classified as a Variant of Uncertain Significance. Algorithms developed to predict the effect of missense changes on protein structure and function are either unavailable or do not agree on the potential impact of this missense change (SIFT: "Tolerated"; PolyPhen-2: "Probably Damaging"; Align-GVGD: "Class C0"). This variant has not been reported in the literature in individuals affected with TMC8-related conditions. This variant is present in population databases (rs764033782, gnomAD 0.01%). This sequence change replaces threonine, which is neutral and polar, with alanine, which is neutral and non-polar, at codon 321 of the TMC8 protein (p.Thr321Ala).

NM_152468.5(TMC8):c.961A>G (p.Thr321Ala)

Gene: TMC8 (transmembrane channel like 8; plus strand). Cytogenetic location: 17q25.3.
Variant type: single nucleotide variant.
Coding change: c.961A>G on transcript NM_152468.5 (MANE Select); coding-DNA position 961, A replaced by G.
Protein change: p.Thr321Ala; replaces threonine 321 with alanine.
Molecular consequence: missense variant.
Genome position (GRCh38, 1-based): chr17:78,134,538, A>G. VCF-style: chr17-78134538-A-G. GRCh37 (hg19) VCF-style: chr17-76130619-A-G.
Other names: short protein forms T321A.
Identifiers: ClinVar variation 2067023 (VCV002067023.3), dbSNP rs764033782, ClinGen allele CA8796668.
Genomic context (GRCh38, chr17:78,134,538, plus strand): 5'-CGGGTCAACGTACTCAACGGGCTCCTGGTGGTTGGGGCCATCAGCGCCATCTTCTGGGCT[A>G]CCAAGTACTCACAGGACAACAAGGAGGTGTCAGGCAACTGCATTCATTTAATCCTGGCCA-3'
Protein context (NP_689681.2, residues 311-331): VGAISAIFWA[Thr321Ala]KYSQDNKEES